The following is an entry in ClinVar:

ClinVar aggregate classification (germline): Likely benign (1 of 4 stars; one submission).

Allele frequency attached by ClinVar (database versions not stated): ExAC 0.00005; TOPMed 0.00001; gnomAD exomes 0.00001.

Submission:

Laboratory for Molecular Medicine, Mass General Brigham Personalized Medicine
Classification: Likely benign. Last evaluated: 2017-08-23. Review status: criteria provided, single submitter. Criteria: LMM Criteria. Collection method: clinical testing. Allele origin: germline. Observed: 1 variant allele.
Comment: p.Lys1579Lys in exon 40 of OTOGL: This variant is not expected to have clinical significance because it does not alter an amino acid residue and is not located within the splice consensus sequence. It has been identified in 1/7104 European chromosomes by the Exome Aggregation Consortium (ExAC; dbSNP rs774916755).

NM_001378609.3(OTOGL):c.4764G>A (p.Lys1588=)

Gene: OTOGL (otogelin like; plus strand). Cytogenetic location: 12q21.31.
Variant type: single nucleotide variant.
Coding change: c.4764G>A on transcript NM_001378609.3 (MANE Select); coding-DNA position 4764, G replaced by A.
Protein change: p.Lys1588=; no amino-acid change (lysine 1588 retained).
Molecular consequence: synonymous variant.
Genome position (GRCh38, 1-based): chr12:80,336,817, G>A. VCF-style: chr12-80336817-G-A. GRCh37 (hg19) VCF-style: chr12-80730597-G-A.
Other names: c.4629G>A, p.Lys1543= (NM_001368062.3); c.4764G>A, p.Lys1588= (NM_001378610.3, NM_173591.7).
Identifiers: ClinVar variation 930131 (VCV000930131.4), dbSNP rs774916755, ClinGen allele CA6701498.
Genomic context (GRCh38, chr12:80,336,817, plus strand): 5'-CAAATAATGCATTTAAAAGTATTTCTTTTTTTTTTTCCAGAATGGAAACTCCTTAAAAAA[G>A]CTAGTGAGTATTTGCAAAGTGTTTAGTACATTCATTCTGTTTATCACTACAATTGTGTTT-3'
Protein context (NP_001365538.2, residues 1578-1598): SMNQNGNSLK[Lys1588=]LAPSGRISGL